The following is an entry in ClinVar:

ClinVar aggregate classification (germline): Pathogenic/Likely pathogenic. Review status: criteria provided, multiple submitters, no conflicts (2 of 4 stars). 2 submissions from 2 submitters: Pathogenic (1); Likely pathogenic (1). Last evaluated 2025-09-08.

Conditions:
THOC6-related disorder. Also called: THOC6-related condition.

Submissions (2):

GeneDx
Classification: Pathogenic. Last evaluated: 2025-09-08. Review status: criteria provided, single submitter. Criteria: GeneDx Variant Classification Process June 2021. Collection method: clinical testing. Allele origin: germline. Affected: yes.
Comment: Canonical splice site variant predicted to result in a null allele in a gene for which loss of function is a known mechanism of disease; Not observed at significant frequency in large population cohorts (gnomAD); This variant is associated with the following publications: (PMID: 40760536)

PreventionGenetics, part of Exact Sciences
Classification: Likely pathogenic for THOC6-related condition. Last evaluated: 2023-03-03. Review status: criteria provided, single submitter. Criteria: ACMG Guidelines, 2015. Collection method: clinical testing. Allele origin: germline.
Comment: The THOC6 c.155+1G>T variant is predicted to disrupt the GT donor site and interfere with normal splicing. To our knowledge, this variant has not been reported in the literature or in a large population database, indicating this variant is rare. Variants that disrupt the consensus splice donor site in THOC6 are expected to be pathogenic. This variant is interpreted as likely pathogenic.

NM_024339.5(THOC6):c.155+1G>T

Gene: THOC6 (THO complex subunit 6; plus strand). Cytogenetic location: 16p13.3.
Variant type: single nucleotide variant.
Coding change: c.155+1G>T on transcript NM_024339.5 (MANE Select); the canonical splice donor site of the intron after coding-DNA position 155, G replaced by T.
Molecular consequence: splice donor variant.
Genome position (GRCh38, 1-based): chr16:3,025,824, G>T. VCF-style: chr16-3025824-G-T. GRCh37 (hg19) VCF-style: chr16-3075825-G-T.
Other names: c.155+1G>T (NM_001142350.3, NM_001347704.2); c.83+1G>T (NM_001347703.2).
Identifiers: ClinVar variation 2630517 (VCV002630517.2), dbSNP rs2506465148, ClinGen allele CA394465706.
Genomic context (GRCh38, chr16:3,025,824, plus strand): 5'-CTCACCATGTGGGAAGTTTCTGGCGGCTGGCAACAATTACGGGCAGATTGCCATCTTCAG[G>T]TACCCTCTGCCGCTGTCCACCCATTAGCCCTGGCACTTGGCCCTCATGGGACGGATGCCC-3'